The following is an entry in ClinVar:

ClinVar aggregate classification (germline): Likely pathogenic (1 of 4 stars; one submission).

Submission:

GeneDx
Classification: Likely pathogenic. Last evaluated: 2016-02-20. Review status: criteria provided, single submitter. Criteria: GeneDx Variant Classification (06012015). Collection method: clinical testing. Allele origin: germline. Affected: yes.
Comment: The N1114K variant in the SMC1A gene has not been reported previously as a pathogenic variant,nor as a benign variant, to our knowledge. This variant was not observed in approximately 6500individuals of European and African American ancestry in the NHLBI Exome Sequencing Project,indicating it is not a common benign variant in these populations. The N114K variant is asemi-conservative amino acid substitution, which may impact secondary protein structure as theseresidues differ in some properties. This substitution occurs at a position that is conserved acrossspecies, and in silico analysis predicts this variant is probably damaging to the proteinstructure/function. The N1114K variant is a strong candidate for a pathogenic variant, however the possibility it may be rare benign variant cannot be excluded.

NM_006306.4(SMC1A):c.3342C>A (p.Asn1114Lys)

Gene: SMC1A (structural maintenance of chromosomes 1A; minus strand). Cytogenetic location: Xp11.22.
Variant type: single nucleotide variant.
Coding change: c.3342C>A on transcript NM_006306.4 (MANE Select); coding-DNA position 3342, C replaced by A.
Protein change: p.Asn1114Lys; replaces asparagine 1114 with lysine.
Molecular consequence: missense variant.
Genome position (GRCh38, 1-based): chrX:53,382,327, G>T on the plus strand (C>A on the coding strand, the complement: SMC1A is on the minus strand). VCF-style: chrX-53382327-G-T. GRCh37 (hg19) VCF-style: chrX-53409248-G-T.
Other names: c.3276C>A, p.Asn1092Lys (NM_001281463.1); short protein forms N1092K, N1114K.
Identifiers: ClinVar variation 372892 (VCV000372892.1), dbSNP rs1057518054, ClinGen allele CA16043327.